The following is an entry in ClinVar:

ClinVar aggregate classification (germline): Uncertain significance. Review status: criteria provided, single submitter (1 of 4 stars). 2 submissions from 2 submitters: Uncertain significance (1). 1 of the submissions does not count toward it. Last evaluated 2025-03-31.

Conditions:
Retinitis pigmentosa 25 (RP25). Identifiers: Orphanet 791, MedGen C1864446, MONDO:0011272, OMIM 602772.

Allele frequency attached by ClinVar (database versions not stated): gnomAD 0.00002; gnomAD exomes 0.00002; TOPMed 0.00002; ExAC 0.00005.
gnomAD v4.1: 27 of 1,551,110 alleles (0.0017%); highest among the groups gnomAD compares: Admixed American, 0.0059%; no homozygotes.

Submissions (2):

Labcorp Genetics (formerly Invitae), Labcorp
Classification: Uncertain significance. Last evaluated: 2025-03-31. Review status: criteria provided, single submitter. Criteria: Invitae Variant Classification Sherloc (09022015). Collection method: clinical testing. Allele origin: germline.
Comment: This sequence change replaces alanine, which is neutral and non-polar, with serine, which is neutral and polar, at codon 1335 of the EYS protein (p.Ala1335Ser). This variant is present in population databases (rs761342525, gnomAD 0.008%). This variant has not been reported in the literature in individuals affected with EYS-related conditions. ClinVar contains an entry for this variant (Variation ID: 941868). Invitae Evidence Modeling of protein sequence and biophysical properties (such as structural, functional, and spatial information, amino acid conservation, physicochemical variation, residue mobility, and thermodynamic stability) has been performed for this missense variant. However, the output from this modeling did not meet the statistical confidence thresholds required to predict the impact of this variant on EYS protein function. In summary, the available evidence is currently insufficient to determine the role of this variant in disease. Therefore, it has been classified as a Variant of Uncertain Significance.

Natera, Inc.
Classification: Uncertain significance for Retinitis pigmentosa type 25. Last evaluated: 2020-06-22. Review status: no assertion criteria provided. Collection method: clinical testing. Allele origin: germline. Not counted in ClinVar's aggregate classification.

NM_001142800.2(EYS):c.4003G>T (p.Ala1335Ser)

Gene: EYS (EGF-like photoreceptor maintenance factor; minus strand). Cytogenetic location: 6q12.
Variant type: single nucleotide variant.
Coding change: c.4003G>T on transcript NM_001142800.2 (MANE Select); coding-DNA position 4003, G replaced by T.
Protein change: p.Ala1335Ser; replaces alanine 1335 with serine.
Molecular consequence: missense variant.
Genome position (GRCh38, 1-based): chr6:64,591,864, C>A on the plus strand (G>T on the coding strand, the complement: EYS is on the minus strand). VCF-style: chr6-64591864-C-A. GRCh37 (hg19) VCF-style: chr6-65301757-C-A.
Other names: c.4003G>T, p.Ala1335Ser (NM_001292009.2); short protein forms A1335S.
Identifiers: ClinVar variation 941868 (VCV000941868.6), dbSNP rs761342525, ClinGen allele CA3877112.